The following is an entry in ClinVar:

ClinVar aggregate classification (germline): Uncertain significance (1 of 4 stars; one submission).

Conditions:
Catecholaminergic polymorphic ventricular tachycardia 1. Also called: VENTRICULAR TACHYCARDIA, CATECHOLAMINERGIC POLYMORPHIC, 1, WITH OR WITHOUT ATRIAL DYSFUNCTION AND/OR DILATED CARDIOMYOPATHY; RYR2-Related Catecholaminergic Polymorphic Ventricular Tachycardia; VENTRICULAR TACHYCARDIA, STRESS-INDUCED POLYMORPHIC 1. Identifiers: Orphanet 3286, MedGen C1631597, MONDO:0011484, OMIM 604772.

gnomAD v4.1: 1 of 1,613,930 alleles (0.000062%); highest among the groups gnomAD compares: Non-Finnish European, 0.000085%; no homozygotes.

Submission:

Labcorp Genetics (formerly Invitae), Labcorp
Classification: Uncertain significance for Catecholaminergic polymorphic ventricular tachycardia 1. Last evaluated: 2024-05-18. Review status: criteria provided, single submitter. Criteria: Invitae Variant Classification Sherloc (09022015). Collection method: clinical testing. Allele origin: germline.
Comment: This sequence change replaces alanine, which is neutral and non-polar, with threonine, which is neutral and polar, at codon 1927 of the RYR2 protein (p.Ala1927Thr). This variant is not present in population databases (gnomAD no frequency). This variant has not been reported in the literature in individuals affected with RYR2-related conditions. Advanced modeling of protein sequence and biophysical properties (such as structural, functional, and spatial information, amino acid conservation, physicochemical variation, residue mobility, and thermodynamic stability) performed at Invitae indicates that this missense variant is not expected to disrupt RYR2 protein function with a negative predictive value of 95%. In summary, the available evidence is currently insufficient to determine the role of this variant in disease. Therefore, it has been classified as a Variant of Uncertain Significance.

NM_001035.3(RYR2):c.5779G>A (p.Ala1927Thr)

Gene: RYR2 (ryanodine receptor 2; plus strand). Cytogenetic location: 1q43.
Variant type: single nucleotide variant.
Coding change: c.5779G>A on transcript NM_001035.3 (MANE Select); coding-DNA position 5779, G replaced by A.
Protein change: p.Ala1927Thr; replaces alanine 1927 with threonine.
Molecular consequence: missense variant.
Genome position (GRCh38, 1-based): chr1:237,617,349, G>A. VCF-style: chr1-237617349-G-A. GRCh37 (hg19) VCF-style: chr1-237780649-G-A.
Other names: short protein forms A1927T.
Identifiers: ClinVar variation 3633800 (VCV003633800.2).